The following is an entry in ClinVar:

NM_000038.6(APC):c.6281_6282del (p.Pro2094fs)

Gene: APC (APC regulator of Wnt signaling pathway; plus strand). Cytogenetic location: 5q22.2.
Variant type: Deletion.
Coding change: c.6281_6282del on transcript NM_000038.6 (MANE Select); coding-DNA positions 6281 to 6282, 2 bases deleted (CT; older notation c.6281_6282delCT).
Protein change: p.Pro2094fs; shifts the reading frame from proline 2094.
Molecular consequence: frameshift variant.
Genome position (GRCh38, 1-based): chr5:112,841,875-112,841,876, CT deleted. VCF-style (leftmost placement, unchanged base first): chr5-112841874-CCT-C. GRCh37 (hg19) VCF-style: chr5-112177571-CCT-C.
Other names: c.6281_6282del, p.Pro2094fs (NM_001127510.3, NM_001354895.2); c.6227_6228del, p.Pro2076fs (NM_001127511.3); c.6335_6336del, p.Pro2112fs (NM_001354896.2); c.6311_6312del, p.Pro2104fs (NM_001354897.2); c.6206_6207del, p.Pro2069fs (NM_001354898.2); c.6197_6198del, p.Pro2066fs (NM_001354899.2); c.6158_6159del, p.Pro2053fs (NM_001354900.2); c.6104_6105del, p.Pro2035fs (NM_001354901.2); and 5 more; short protein forms P2003fs, P2104fs, P2112fs, P1934fs, P2066fs, P2069fs, P2094fs, P1811fs.
Identifiers: ClinVar variation 439409 (VCV000439409.23), dbSNP rs1554087314, ClinGen allele CA645509162.

ClinVar aggregate classification (germline): Pathogenic/Likely pathogenic. Review status: criteria provided, multiple submitters, no conflicts (2 of 4 stars). 5 submissions from 5 submitters: Pathogenic (2); Likely pathogenic (3). Last evaluated 2024-12-17.

Conditions:
Hereditary cancer-predisposing syndrome. Also called: Hereditary Cancer Syndrome; Hereditary neoplastic syndrome; Neoplastic Syndromes, Hereditary; Tumor predisposition. Identifiers: Orphanet 140162, MedGen C0027672, MeSH D009386, MONDO:0015356.
Familial adenomatous polyposis 1 (FAP1). Also called: POLYPOSIS, ADENOMATOUS INTESTINAL; FAMILIAL ADENOMATOUS POLYPOSIS 1, ATTENUATED. Identifiers: MedGen C2713442, MONDO:0021056, OMIM 175100. Disease mechanism: loss of function.

Submissions (5):

Ambry Genetics
Classification: Likely pathogenic for Hereditary cancer-predisposing syndrome. Last evaluated: 2024-12-17. Review status: criteria provided, single submitter. Criteria: Ambry Variant Classification Scheme 2023. Collection method: clinical testing. Allele origin: germline.
Comment: The c.6281_6282delCT variant, located in coding exon 15 of the APC gene, results from a deletion of two nucleotides at nucleotide positions 6281 to 6282, causing a translational frameshift with a predicted alternate stop codon (p.P2094Rfs*6). This alteration occurs at the 3' terminus of APC gene, is not expected to trigger nonsense-mediated mRNA decay, and only impacts the last 26.4% of the protein. However, premature stop codons are typically deleterious in nature and a significant portion of the protein is affected (Ambry internal data). This variant is considered to be rare based on population cohorts in the Genome Aggregation Database (gnomAD). Based on the majority of available evidence to date, this variant is likely to be pathogenic.

Myriad Genetics, Inc.
Classification: Pathogenic for Familial adenomatous polyposis 1. Last evaluated: 2023-05-15. Review status: criteria provided, single submitter. Criteria: Myriad Autosomal Dominant, Autosomal Recessive and X-Linked Classification Criteria (2023). Collection method: clinical testing. Allele origin: unknown.
Comment: This variant is considered pathogenic. This variant creates a frameshift predicted to result in premature protein truncation.

Labcorp Genetics (formerly Invitae), Labcorp
Classification: Pathogenic for Familial adenomatous polyposis 1. Last evaluated: 2022-08-08. Review status: criteria provided, single submitter. Criteria: Invitae Variant Classification Sherloc (09022015). Collection method: clinical testing. Allele origin: germline.
Comment: For these reasons, this variant has been classified as Pathogenic. This variant disrupts a region of the APC protein in which other variant(s) (p.Tyr2645Lysfs*14) have been determined to be pathogenic (PMID: 1316610, 8381579, 9824584, 22135120, 27081525; Invitae). This suggests that this is a clinically significant region of the protein, and that variants that disrupt it are likely to be disease-causing. This variant is expected to disrupt the EB1 and HDLG binding sites, which mediate interactions with the cytoskeleton (PMID: 15311282, 17293347). While functional studies have not been performed to directly test the effect on APC protein function, this suggests that disruption of the C-terminal portion of the protein is functionally important. ClinVar contains an entry for this variant (Variation ID: 439409). This variant is expected to disrupt the EB1 and HDLG binding sites, which mediate interactions with the cytoskeleton (PMID: 15311282, 17293347). While functional studies have not been performed to directly test the effect on APC protein function, this suggests that disruption of the C-terminal portion of the protein is functionally important. This variant has not been reported in the literature in individuals affected with APC-related conditions. This variant is not present in population databases (gnomAD no frequency). This sequence change creates a premature translational stop signal (p.Pro2094Argfs*6) in the APC gene. While this is not anticipated to result in nonsense mediated decay, it is expected to disrupt the last 750 amino acid(s) of the APC protein.

Mayo Clinic Laboratories, Mayo Clinic
Classification: Likely pathogenic. Last evaluated: 2021-11-16. Review status: criteria provided, single submitter. Criteria: ACMG Guidelines, 2015. Collection method: clinical testing. Allele origin: germline.
Comment: PM2, PVS1_strong

ARUP Laboratories, Molecular Genetics and Genomics, ARUP Laboratories
Classification: Likely pathogenic. Last evaluated: 2016-11-22. Review status: criteria provided, single submitter. Criteria: ARUP Molecular Germline Variant Investigation Process. Collection method: clinical testing. Allele origin: germline.

Literature cited by the submitters: PubMed 1316610 (cited by Labcorp Genetics (formerly Invitae), Labcorp); PubMed 8381579 (cited by Labcorp Genetics (formerly Invitae), Labcorp); PubMed 9824584 (cited by Labcorp Genetics (formerly Invitae), Labcorp); PubMed 22135120 (cited by Labcorp Genetics (formerly Invitae), Labcorp); PubMed 27081525 (cited by Labcorp Genetics (formerly Invitae), Labcorp); PubMed 15311282 (cited by Labcorp Genetics (formerly Invitae), Labcorp); PubMed 17293347 (cited by Labcorp Genetics (formerly Invitae), Labcorp).